The following is an entry in ClinVar:

NM_001267550.2(TTN):c.50552-2A>G

Genes: TTN (titin; minus strand), TTN-AS1 (TTN antisense RNA 1; plus strand). Cytogenetic location: 2q31.2.
Variant type: single nucleotide variant.
Coding change: c.50552-2A>G on transcript NM_001267550.2 (MANE Select); the canonical splice acceptor site of the intron before coding-DNA position 50552, A replaced by G.
Molecular consequence: splice acceptor variant.
Genome position (GRCh38, 1-based): chr2:178,611,679, T>C on the plus strand (A>G on the coding strand, the complement: TTN is on the minus strand). VCF-style: chr2-178611679-T-C. GRCh37 (hg19) VCF-style: chr2-179476406-T-C.
Other names: c.23357-2A>G (NM_003319.4); c.23933-2A>G (NM_133437.4); c.23732-2A>G (NM_133432.3); c.42848-2A>G (NM_133378.4); c.45629-2A>G (NM_001256850.1).
Identifiers: ClinVar variation 202380 (VCV000202380.4), dbSNP rs794729266, ClinGen allele CA309247.

ClinVar aggregate classification (germline): Likely pathogenic (1 of 4 stars; one submission).

Submission:

GeneDx
Classification: Likely pathogenic. Last evaluated: 2013-01-03. Review status: criteria provided, single submitter. Criteria: GeneDx Variant Classification (06012015). Collection method: clinical testing. Allele origin: germline. Affected: yes.
Comment: The c.45629-2 A>G variant in the TTN gene has not been reported previously as a disease-causing mutation nor as a benign polymorphism, to our knowledge. c.45629-2 A>G destroys the canonical splice acceptor site in intron 218 and is predicted to cause abnormal gene splicing. This variant is predicted to lead either to an abnormal message that is subject to nonsense-mediated mRNA decay, or to an abnormal protein product if the message is used for protein translation. c.45629-2 A>G is located in the A-band region of titin, where the majority of truncating and splice site mutations associated with DCM have been reported (Herman D et al., 2012). The variant is found in DCM panel(s).